The following is an entry in ClinVar:

ClinVar aggregate classification (germline): Benign. Review status: criteria provided, multiple submitters, no conflicts (2 of 4 stars). 3 submissions from 3 submitters: Benign (3). Last evaluated 2021-05-21.

Conditions:
Kindler syndrome (KNDLRS). Also called: BULLOUS ACROKERATOTIC POIKILODERMA OF KINDLER AND WEARY; POIKILODERMA, CONGENITAL, WITH BULLAE, WEARY TYPE; POIKILODERMA, HEREDITARY ACROKERATOTIC; Hereditary acrokeratotic poikiloderma of Weary; Poikiloderma of Kindler; Congenital bullous poikiloderma. Identifiers: Orphanet 2908, Orphanet 306539, MedGen C0406557, MONDO:0008260, OMIM 173650.

Allele frequency attached by ClinVar (database versions not stated): 1000 Genomes Project 0.01617; gnomAD 0.01663; 1000 Genomes Project 30x 0.01749; TOPMed 0.01974.
gnomAD v4.1: 5,435 of 1,468,734 alleles (0.37%); highest among the groups gnomAD compares: African/African-American, 5.7%; 126 homozygotes.

Submissions (3):

GeneDx
Classification: Benign. Last evaluated: 2021-05-21. Review status: criteria provided, single submitter. Criteria: GeneDx Variant Classification Process June 2021. Collection method: clinical testing. Allele origin: germline. Affected: yes.

Illumina Laboratory Services, Illumina
Classification: Benign for Kindler syndrome. Last evaluated: 2018-01-13. Review status: criteria provided, single submitter. Criteria: ICSL Variant Classification Criteria 13 December 2019. Collection method: clinical testing. Allele origin: germline.
Comment: This variant was observed in the ICSL laboratory as part of a predisposition screen in an ostensibly healthy population. It had not been previously curated by ICSL or reported in the Human Gene Mutation Database (HGMD: prior to June 1st, 2018), and was therefore a candidate for classification through an automated scoring system. Utilizing variant allele frequency, disease prevalence and penetrance estimates, and inheritance mode, an automated score was calculated to assess if this variant is too frequent to cause the disease. Based on the score and internal cut-off values, a variant classified as benign is not then subjected to further curation. The score for this variant resulted in a classification of benign for this disease.

Breakthrough Genomics
Classification: Benign. Review status: criteria provided, single submitter. Criteria: ACMG Guidelines, 2015. Collection method: not provided. Allele origin: germline. Inheritance: Autosomal recessive inheritance. Affected: yes.

NM_017671.5(FERMT1):c.*72G>T

Gene: FERMT1 (FERM domain containing kindlin 1; minus strand). Cytogenetic location: 20p12.3.
Variant type: single nucleotide variant.
Coding change: c.*72G>T on transcript NM_017671.5 (MANE Select); 72 bases downstream of the stop codon, G replaced by T.
Molecular consequence: 3 prime UTR variant.
Genome position (GRCh38, 1-based): chr20:6,077,101, C>A on the plus strand (G>T on the coding strand, the complement: FERMT1 is on the minus strand). VCF-style: chr20-6077101-C-A. GRCh37 (hg19) VCF-style: chr20-6057748-C-A.
Identifiers: ClinVar variation 339203 (VCV000339203.8), dbSNP rs2232084, ClinGen allele CA10652754.
Genomic context (GRCh38, chr20:6,077,101, plus strand): 5'-ATCTGGGTGACCAGCGGTGAATGTATGTTGTCTGTTAGTCCAGAATCTACATGCTGGGCA[C>A]GTTAGGGATCCCTCTGGGGAGGGGCGCCTTTGGCTTGCCTTGTTGGTGTGAGCCGAGCAC-3'